The following is an entry in ClinVar:

ClinVar aggregate classification (germline): Uncertain significance (1 of 4 stars; one submission).

Submission:

Labcorp Genetics (formerly Invitae), Labcorp
Classification: Uncertain significance. Last evaluated: 2023-11-24. Review status: criteria provided, single submitter. Criteria: Invitae Variant Classification Sherloc (09022015). Collection method: clinical testing. Allele origin: germline.
Comment: This sequence change falls in intron 9 of the PHEX gene. It does not directly change the encoded amino acid sequence of the PHEX protein. Information on the frequency of this variant in the gnomAD database is not available, as this variant may be reported differently in the database. This variant has not been reported in the literature in individuals affected with PHEX-related conditions. Experimental studies and prediction algorithms are not available or were not evaluated, and the functional significance of this variant is currently unknown. In summary, the available evidence is currently insufficient to determine the role of this variant in disease. Therefore, it has been classified as a Variant of Uncertain Significance.

NM_000444.6(PHEX):c.1080-10_1080-9delinsTA

Gene: PHEX (phosphate regulating endopeptidase X-linked; plus strand). Cytogenetic location: Xp22.11.
Variant type: Indel.
Coding change: c.1080-10_1080-9delinsTA on transcript NM_000444.6 (MANE Select); 10 bases into the intron before coding-DNA position 1080 through 9 bases into the intron before coding-DNA position 1080, CT replaced by TA.
Molecular consequence: intron variant.
Genome position (GRCh38, 1-based): chrX:22,111,457-22,111,458, CT replaced by TA. VCF-style: chrX-22111457-CT-TA. GRCh37 (hg19) VCF-style: chrX-22129575-CT-TA.
Other names: c.1080-10_1080-9delinsTA (NM_001282754.2).
Identifiers: ClinVar variation 2698417 (VCV002698417.3), dbSNP rs2518515402, ClinGen allele CA2697552900.